The following is an entry in ClinVar:

NM_000179.3(MSH6):c.3616G>T (p.Ala1206Ser)

Gene: MSH6 (mutS homolog 6; plus strand). Cytogenetic location: 2p16.3.
Variant type: single nucleotide variant.
Coding change: c.3616G>T on transcript NM_000179.3 (MANE Select); coding-DNA position 3616, G replaced by T.
Protein change: p.Ala1206Ser; replaces alanine 1206 with serine.
Molecular consequence: missense variant.
Genome position (GRCh38, 1-based): chr2:47,805,677, G>T. VCF-style: chr2-47805677-G-T. GRCh37 (hg19) VCF-style: chr2-48032816-G-T.
Other names: c.3226G>T, p.Ala1076Ser (NM_001281492.2); c.2710G>T, p.Ala904Ser (NM_001281493.2, NM_001281494.2); short protein forms A1206S, A904S, A1076S.
Identifiers: ClinVar variation 823994 (VCV000823994.4), dbSNP rs1572741970, ClinGen allele CA346760580.
Genomic context (GRCh38, chr2:47,805,677, plus strand): 5'-GGTGAAAGTACATTTTTTGTTGAATTAAGTGAAACTGCCAGCATACTCATGCATGCAACA[G>T]CACATTCTCTGGTGCTTGTGGATGAATTAGGTAAGACATTAAACTTCTCATTTGAAGACT-3'
Protein context (NP_000170.1, residues 1196-1216): ETASILMHAT[Ala1206Ser]HSLVLVDELG

ClinVar aggregate classification (germline): Uncertain significance (1 of 4 stars; one submission).

Conditions:
Hereditary cancer-predisposing syndrome. Also called: Neoplastic Syndromes, Hereditary; Tumor predisposition; Hereditary neoplastic syndrome; Hereditary Cancer Syndrome. Identifiers: Orphanet 140162, MedGen C0027672, MeSH D009386, MONDO:0015356.

Submission:

Ambry Genetics
Classification: Uncertain significance for Hereditary cancer-predisposing syndrome. Last evaluated: 2021-05-27. Review status: criteria provided, single submitter. Criteria: Ambry Variant Classification Scheme 2023. Collection method: clinical testing. Allele origin: germline.
Comment: The p.A1206S variant (also known as c.3616G>T), located in coding exon 7 of the MSH6 gene, results from a G to T substitution at nucleotide position 3616. The alanine at codon 1206 is replaced by serine, an amino acid with similar properties. This amino acid position is not well conserved in available vertebrate species. In addition, this alteration is predicted to be tolerated by in silico analysis. Since supporting evidence is limited at this time, the clinical significance of this alteration remains unclear.